The following is an entry in ClinVar:

NM_001271938.2(MEGF8):c.135G>A (p.Thr45=)

Gene: MEGF8 (multiple EGF like domains 8; plus strand). Cytogenetic location: 19q13.2.
Variant type: single nucleotide variant.
Coding change: c.135G>A on transcript NM_001271938.2 (MANE Select); coding-DNA position 135, G replaced by A.
Protein change: p.Thr45=; no amino-acid change (threonine 45 retained).
Molecular consequence: synonymous variant.
Genome position (GRCh38, 1-based): chr19:42,326,378, G>A. VCF-style: chr19-42326378-G-A. GRCh37 (hg19) VCF-style: chr19-42830530-G-A.
Other names: c.135G>A, p.Thr45= (NM_001410.3).
Identifiers: ClinVar variation 3038726 (VCV003038726.2), dbSNP rs1435608858, ClinGen allele CA507608942.

ClinVar aggregate classification (germline): Likely benign (0 of 4 stars; one submission).

Conditions:
MEGF8-related disorder. Also called: MEGF8-related condition.

Submission:

PreventionGenetics, part of Exact Sciences
Classification: Likely benign for MEGF8-related condition. Last evaluated: 2019-05-23. Review status: no assertion criteria provided. Collection method: clinical testing. Allele origin: germline.
Comment: This variant is classified as likely benign based on ACMG/AMP sequence variant interpretation guidelines (Richards et al. 2015 PMID: 25741868, with internal and published modifications).